The following is an entry in ClinVar:

NM_001794.5(CDH4):c.2061C>T (p.Asp687=)

Gene: CDH4 (cadherin 4; plus strand). Cytogenetic location: 20q13.33.
Variant type: single nucleotide variant.
Coding change: c.2061C>T on transcript NM_001794.5 (MANE Select); coding-DNA position 2061, C replaced by T.
Protein change: p.Asp687=; no amino-acid change (aspartic acid 687 retained).
Molecular consequence: synonymous variant.
Genome position (GRCh38, 1-based): chr20:61,929,664, C>T. VCF-style: chr20-61929664-C-T. GRCh37 (hg19) VCF-style: chr20-60504722-C-T.
Other names: c.1950C>T, p.Asp650= (NM_001252338.2); c.1839C>T, p.Asp613= (NM_001252339.3).
Identifiers: ClinVar variation 3034112 (VCV003034112.2), dbSNP rs139822630, ClinGen allele CA9934978.

ClinVar aggregate classification (germline): Likely benign (0 of 4 stars; one submission).

Conditions:
CDH4-related disorder. Also called: CDH4-related condition.

Allele frequency attached by ClinVar (database versions not stated): gnomAD exomes 0.00018; ExAC 0.00049; 1000 Genomes Project 30x 0.00109; ESP Exome Variant Server 0.00115; 1000 Genomes Project 0.00140; gnomAD 0.00146; TOPMed 0.00156.
gnomAD v4.1: 530 of 1,614,140 alleles (0.033%); highest among the groups gnomAD compares: African/African-American, 0.55%; 8 homozygotes.

Submission:

PreventionGenetics, part of Exact Sciences
Classification: Likely benign for CDH4-related condition. Last evaluated: 2019-06-17. Review status: no assertion criteria provided. Collection method: clinical testing. Allele origin: germline.
Comment: This variant is classified as likely benign based on ACMG/AMP sequence variant interpretation guidelines (Richards et al. 2015 PMID: 25741868, with internal and published modifications).